The following is an entry in ClinVar:

ClinVar aggregate classification (germline): Conflicting classifications of pathogenicity. Review status: criteria provided, conflicting classifications (1 of 4 stars). 5 submissions from 5 submitters: Uncertain significance (1); Likely benign (4). Last evaluated 2026-01-20.

Conditions:
TTN-related disorder. Also called: TTN-related condition; TTN-related disease; TTN-related disorders.
Dilated cardiomyopathy 1G (CMD1G). Identifiers: Orphanet 154, MedGen C1858763, MONDO:0011400, OMIM 604145.
Autosomal recessive limb-girdle muscular dystrophy type 2J (LGMDR10). Also called: Limb-girdle muscular dystrophy, type 2J; MUSCULAR DYSTROPHY, LIMB-GIRDLE, AUTOSOMAL RECESSIVE 10. Identifiers: Orphanet 140922, MedGen C1837342, MONDO:0012127, OMIM 608807.
Cardiomyopathy (CMYO). Also called: Cardiomyopathies. Identifiers: Orphanet 167848, MedGen C0878544, MONDO:0004994, HP:0001638. Inheritance: Various modes of inheritance.

Allele frequency attached by ClinVar (database versions not stated): gnomAD 0.00002 and 0.00003; gnomAD exomes 0.00003 and 0.00010; TOPMed 0.00008; ExAC 0.00014.
gnomAD v4.1: 54 of 1,582,046 alleles (0.0034%); highest among the groups gnomAD compares: East Asian, 0.12%; no homozygotes.

Submissions (5):

Labcorp Genetics (formerly Invitae), Labcorp
Classification: Likely benign for Dilated cardiomyopathy 1G; Autosomal recessive limb-girdle muscular dystrophy type 2J. Last evaluated: 2026-01-20. Review status: criteria provided, single submitter. Criteria: Invitae Variant Classification Sherloc (09022015). Collection method: clinical testing. Allele origin: germline.

PreventionGenetics, part of Exact Sciences
Classification: Likely benign for TTN-related condition. Last evaluated: 2025-04-17. Review status: criteria provided, single submitter. Criteria: ACMG Guidelines, 2015. Collection method: clinical testing. Allele origin: germline.
Comment: This variant is classified as likely benign based on ACMG/AMP sequence variant interpretation guidelines (Richards et al. 2015 PMID: 25741868, with internal and published modifications).

Blueprint Genetics
Classification: Likely benign. Last evaluated: 2024-07-10. Review status: criteria provided, single submitter. Criteria: ACMG Guidelines, 2015. Collection method: clinical testing. Allele origin: germline.

CHEO Genetics Diagnostic Laboratory, Children's Hospital of Eastern Ontario
Classification: Uncertain significance for Cardiomyopathy. Last evaluated: 2015-09-21. Review status: criteria provided, single submitter. Criteria: ACMG Guidelines, 2015. Collection method: clinical testing. Allele origin: germline. Study: Canadian Open Genetics Repository.

Laboratory for Molecular Medicine, Mass General Brigham Personalized Medicine
Classification: Likely benign. Last evaluated: 2013-10-14. Review status: criteria provided, single submitter. Criteria: LMM Criteria. Collection method: clinical testing. Allele origin: germline. Observed: 1 variant allele.
Comment: Leu10877Leu in exon 166 of TTN: This variant is not expected to have clinical si gnificance because it does not alter an amino acid residue and is not located wi thin the splice consensus sequence. Leu10877Leu in exon 16 of TTN (allele frequ ency = n/a)

NM_001267550.2(TTN):c.40335C>T (p.Leu13445=)

Gene: TTN (titin; minus strand). Cytogenetic location: 2q31.2.
Variant type: single nucleotide variant.
Coding change: c.40335C>T on transcript NM_001267550.2 (MANE Select); coding-DNA position 40335, C replaced by T.
Protein change: p.Leu13445=; no amino-acid change (leucine 13445 retained).
Molecular consequence: synonymous variant. On other transcripts: intron variant (3).
Genome position (GRCh38, 1-based): chr2:178,645,993, G>A on the plus strand (C>T on the coding strand, the complement: TTN is on the minus strand). VCF-style: chr2-178645993-G-A. GRCh37 (hg19) VCF-style: chr2-179510720-G-A.
Other names: c.13283-3676C>T (NM_003319.4); c.13859-3676C>T (NM_133437.4); c.13658-3676C>T (NM_133432.3); c.35412C>T, p.Leu11804= (NM_001256850.1); c.32631C>T, p.Leu10877= (NM_133378.4).
Identifiers: ClinVar variation 179188 (VCV000179188.26), dbSNP rs727504696, ClinGen allele CA183913.